The following is an entry in ClinVar:

NC_000016.10:g.(89775816_89778800)_(89805393_89808293)del

Gene: FANCA (FA complementation group A; minus strand). Cytogenetic location: 16q24.3.
Variant type: Deletion.
Identifiers: ClinVar variation 974294 (VCV000974294.1).

ClinVar aggregate classification (germline): Pathogenic (0 of 4 stars; one submission).

Conditions:
Fanconi anemia complementation group A (FANCA). Also called: Fanconi anemia, group A; FANCA-Related Fanconi Anemia. Identifiers: Orphanet 84, MedGen C3469521, MONDO:0009215, OMIM 227650.

Submission:

Leiden Open Variation Database
Classification: Pathogenic for Fanconi anemia complementation group A. Last evaluated: 2020-02-28. Review status: no assertion criteria provided. Collection method: curation. Allele origin: germline. Affected: yes.
Comment: Curator: Arleen D. Auerbach. Submitters to LOVD: Arleen D. Auerbach, Johan de Winter.

Literature cited by the submitters: PubMed 10521298; PubMed 17924555.